The following is an entry in ClinVar:

NM_201384.3(PLEC):c.2875G>A (p.Gly959Ser)

Gene: PLEC (plectin; minus strand). Cytogenetic location: 8q24.3.
Variant type: single nucleotide variant.
Coding change: c.2875G>A on transcript NM_201384.3 (MANE Select); coding-DNA position 2875, G replaced by A.
Protein change: p.Gly959Ser; replaces glycine 959 with serine.
Molecular consequence: missense variant.
Genome position (GRCh38, 1-based): chr8:143,929,694, C>T on the plus strand (G>A on the coding strand, the complement: PLEC is on the minus strand). VCF-style: chr8-143929694-C-T. GRCh37 (hg19) VCF-style: chr8-145003862-C-T.
Other names: c.2956G>A, p.Gly986Ser (NM_000445.5); c.2833G>A, p.Gly945Ser (NM_201378.4); c.2809G>A, p.Gly937Ser (NM_201379.3); c.3286G>A, p.Gly1096Ser (NM_201380.4); c.2779G>A, p.Gly927Ser (NM_201381.3); c.2875G>A, p.Gly959Ser (NM_201382.4); c.2887G>A, p.Gly963Ser (NM_201383.3); short protein forms G937S, G945S, G986S, G1096S, G927S, G959S, G963S.
Identifiers: ClinVar variation 471565 (VCV000471565.6), dbSNP rs201071539, ClinGen allele CA4927314.
Genomic context (GRCh38, chr8:143,929,694, plus strand): 5'-GCCGTGCCCTACCCTGTTCCAGGCTCTGCAGCAGCTGCTGGTAGTGGTGGCTGCAGGAGC[C>T]GTACTCGCGCTCAGCCATCAGCCGGTCCTCGGGTCCGAAGCCGCCCGCGTCCTGGCTGTC-3'
Protein context (NP_958786.1, residues 949-969): EDRLMAEREY[Gly959Ser]SCSHHYQQLL

ClinVar aggregate classification (germline): Uncertain significance (1 of 4 stars; one submission).

Conditions:
Epidermolysis bullosa simplex with nail dystrophy (EBS5D). Identifiers: MedGen C4225309, MONDO:0014661, OMIM 616487.
Epidermolysis bullosa simplex, Ogna type (EBS5A). Also called: Pidermolysis bullosa simplex 5A, Ogna type; EPIDERMOLYSIS BULLOSA SIMPLEX 5A, OGNA TYPE. Identifiers: Orphanet 79401, MedGen C0432317, MONDO:0007555, OMIM 131950.
Autosomal recessive limb-girdle muscular dystrophy type 2Q (LGMDR17). Also called: MUSCULAR DYSTROPHY, LIMB-GIRDLE, AUTOSOMAL RECESSIVE 17. Identifiers: Orphanet 254361, MedGen C3150989, MONDO:0013390, OMIM 613723.
Epidermolysis bullosa simplex 5C, with pyloric atresia (EBS5C). Also called: PLEC-Related Epidermolysis Bullosa with Pyloric Atresia; Epidermolysis bullosa simplex with pyloric atresia; PLEC1-Related Epidermolysis Bullosa with Pyloric Atresia. Identifiers: Orphanet 158684, MedGen C2677349, MONDO:0012807, OMIM 612138.
Epidermolysis bullosa simplex 5B, with muscular dystrophy (EBS5B). Also called: EPIDERMOLYSIS BULLOSA SIMPLEX AND LIMB-GIRDLE MUSCULAR DYSTROPHY; Epidermolysis bullosa simplex with muscular dystrophy. Identifiers: Orphanet 257, MedGen C2931072, MONDO:0009181, OMIM 226670.

Allele frequency attached by ClinVar (database versions not stated): ExAC below 0.00001; gnomAD exomes below 0.00001 and 0.00001; gnomAD 0.00001; TOPMed 0.00002; ESP Exome Variant Server 0.00008.
gnomAD v4.1: 20 of 1,599,530 alleles (0.0013%); highest among the groups gnomAD compares: East Asian, 0.0045%; no homozygotes.

Submission:

Labcorp Genetics (formerly Invitae), Labcorp
Classification: Uncertain significance for Autosomal recessive limb-girdle muscular dystrophy type 2Q; Epidermolysis bullosa simplex, Ogna type; Epidermolysis bullosa simplex with nail dystrophy; Epidermolysis bullosa simplex 5C, with pyloric atresia; Epidermolysis bullosa simplex 5B, with muscular dystrophy. Last evaluated: 2025-01-08. Review status: criteria provided, single submitter. Criteria: Invitae Variant Classification Sherloc (09022015). Collection method: clinical testing. Allele origin: germline.
Comment: This sequence change replaces glycine, which is neutral and non-polar, with serine, which is neutral and polar, at codon 986 of the PLEC protein (p.Gly986Ser). This variant is present in population databases (rs201071539, gnomAD 0.006%). This variant has not been reported in the literature in individuals affected with PLEC-related conditions. ClinVar contains an entry for this variant (Variation ID: 471565). Invitae Evidence Modeling of protein sequence and biophysical properties (such as structural, functional, and spatial information, amino acid conservation, physicochemical variation, residue mobility, and thermodynamic stability) indicates that this missense variant is not expected to disrupt PLEC protein function with a negative predictive value of 80%. In summary, the available evidence is currently insufficient to determine the role of this variant in disease. Therefore, it has been classified as a Variant of Uncertain Significance.